The following is an entry in ClinVar:

ClinVar aggregate classification (germline): Likely pathogenic (1 of 4 stars; one submission).

Conditions:
Charlevoix-Saguenay spastic ataxia (SACS). Also called: AUTOSOMAL RECESSIVE SPASTIC ATAXIA OF CHARLEVOIX-SAGUENAY; Spastic ataxia of Charlevoix-Saguenay; SPASTIC ATAXIA 6, AUTOSOMAL RECESSIVE. Identifiers: Orphanet 98, MedGen C1849140, MONDO:0010041, OMIM 270550.

Submission:

Natera, Inc.
Classification: Likely pathogenic for Charlevoix-Saguenay type spastic ataxia. Last evaluated: 2025-04-24. Review status: criteria provided, single submitter. Criteria: Natera Variant Classification Schema (03/2026). Collection method: clinical testing. Allele origin: germline.
Comment: The c.11290G>T variant in SACS is a nonsense variant predicted to introduce a stop codon at amino acid 3764. This variant is expected to result in nonsense mediated decay, truncation, or a dysfunctional protein product. This variant is rare in the general population with a frequency below the threshold expected for the associated phenotype(s). Given the available evidence, this variant is classified as Likely Pathogenic.

NM_014363.6(SACS):c.11290G>T (p.Glu3764Ter)

Gene: SACS (sacsin molecular chaperone; minus strand). Cytogenetic location: 13q12.12.
Variant type: single nucleotide variant.
Coding change: c.11290G>T on transcript NM_014363.6 (MANE Select); coding-DNA position 11290, G replaced by T.
Protein change: p.Glu3764Ter; replaces glutamic acid 3764 with a stop codon.
Molecular consequence: nonsense.
Genome position (GRCh38, 1-based): chr13:23,332,586, C>A on the plus strand (G>T on the coding strand, the complement: SACS is on the minus strand). VCF-style: chr13-23332586-C-A. GRCh37 (hg19) VCF-style: chr13-23906725-C-A.
Other names: c.10849G>T, p.Glu3617Ter (NM_001278055.2); short protein forms E3617*, E3764*.
Identifiers: ClinVar variation 4061019 (VCV004061019.2).